The following is an entry in ClinVar:

NM_001291303.3(FAT4):c.10615C>A (p.Leu3539Ile)

Gene: FAT4 (FAT atypical cadherin 4; plus strand). Cytogenetic location: 4q28.1.
Variant type: single nucleotide variant.
Coding change: c.10615C>A on transcript NM_001291303.3 (MANE Select); coding-DNA position 10615, C replaced by A.
Protein change: p.Leu3539Ile; replaces leucine 3539 with isoleucine.
Molecular consequence: missense variant.
Genome position (GRCh38, 1-based): chr4:125,451,625, C>A. VCF-style: chr4-125451625-C-A. GRCh37 (hg19) VCF-style: chr4-126372780-C-A.
Other names: c.10615C>A, p.Leu3539Ile (NM_001291285.3); c.10609C>A, p.Leu3537Ile (NM_024582.6); short protein forms L3539I, L3537I.
Identifiers: ClinVar variation 1997931 (VCV001997931.4), dbSNP rs1441265229, ClinGen allele CA358159155.

ClinVar aggregate classification (germline): Uncertain significance (1 of 4 stars; one submission).

Submission:

Labcorp Genetics (formerly Invitae), Labcorp
Classification: Uncertain significance. Last evaluated: 2025-02-10. Review status: criteria provided, single submitter. Criteria: Invitae Variant Classification Sherloc (09022015). Collection method: clinical testing. Allele origin: germline.
Comment: This sequence change replaces leucine, which is neutral and non-polar, with isoleucine, which is neutral and non-polar, at codon 3537 of the FAT4 protein (p.Leu3537Ile). This variant is not present in population databases (gnomAD no frequency). This variant has not been reported in the literature in individuals affected with FAT4-related conditions. ClinVar contains an entry for this variant (Variation ID: 1997931). Invitae Evidence Modeling of protein sequence and biophysical properties (such as structural, functional, and spatial information, amino acid conservation, physicochemical variation, residue mobility, and thermodynamic stability) indicates that this missense variant is not expected to disrupt FAT4 protein function with a negative predictive value of 95%. In summary, the available evidence is currently insufficient to determine the role of this variant in disease. Therefore, it has been classified as a Variant of Uncertain Significance.